The following is an entry in ClinVar:

NM_001378615.1(CC2D2A):c.3049C>T (p.Gln1017Ter)

Genes: CC2D2A (coiled-coil and C2 domain containing 2A; plus strand), FBXL5 (F-box and leucine rich repeat protein 5; minus strand). Cytogenetic location: 4p15.32.
Variant type: single nucleotide variant.
Coding change: c.3049C>T on transcript NM_001378615.1 (MANE Select); coding-DNA position 3049, C replaced by T.
Protein change: p.Gln1017Ter; replaces glutamine 1017 with a stop codon.
Molecular consequence: nonsense.
Genome position (GRCh38, 1-based): chr4:15,563,389, C>T. VCF-style: chr4-15563389-C-T. GRCh37 (hg19) VCF-style: chr4-15565012-C-T.
Other names: c.3049C>T, p.Gln1017Ter (NM_001080522.2); c.2902C>T, p.Gln968Ter (NM_001378617.1); short protein forms Q1017*, Q968*.
Identifiers: ClinVar variation 2939059 (VCV002939059.5), dbSNP rs1191597081, ClinGen allele CA356415583.

ClinVar aggregate classification (germline): Pathogenic/Likely pathogenic. Review status: criteria provided, multiple submitters, no conflicts (2 of 4 stars). 3 submissions from 3 submitters: Pathogenic (2); Likely pathogenic (1). Last evaluated 2025-08-18.

Conditions:
Joubert syndrome and related disorders. Identifiers: Orphanet 140874, MedGen C5679612, MONDO:0015369.
Joubert syndrome. Also called: JOUBERT-BOLTSHAUSER SYNDROME; Familial aplasia of the vermis. Identifiers: Orphanet 475, MedGen C5979921, MONDO:0018772.
Meckel-Gruber syndrome. Also called: DYSENCEPHALIA SPLANCHNOCYSTICA; GRUBER SYNDROME; Dysencephalia splachnocystica. Identifiers: Orphanet 564, MedGen C0265215, MONDO:0018921.
CC2D2A-related disorder. Also called: CC2D2A-related condition; CC2D2A-related disorders. Identifiers: MedGen CN239313.

Allele frequency attached by ClinVar (database versions not stated): TOPMed below 0.00001; gnomAD 0.00001; gnomAD exomes 0.00001.
gnomAD v4.1: 16 of 1,604,790 alleles (0.001%); highest among the groups gnomAD compares: Non-Finnish European, 0.0011%; no homozygotes.

Submissions (3):

Labcorp Genetics (formerly Invitae), Labcorp
Classification: Pathogenic for Joubert syndrome; Meckel-Gruber syndrome. Last evaluated: 2025-08-18. Review status: criteria provided, single submitter. Criteria: Invitae Variant Classification Sherloc (09022015). Collection method: clinical testing. Allele origin: germline.
Comment: This sequence change creates a premature translational stop signal (p.Gln1017*) in the CC2D2A gene. It is expected to result in an absent or disrupted protein product. Loss-of-function variants in CC2D2A are known to be pathogenic (PMID: 19777577). This variant is present in population databases (no rsID available, gnomAD 0.003%). This variant has not been reported in the literature in individuals affected with CC2D2A-related conditions. ClinVar contains an entry for this variant (Variation ID: 2939059). For these reasons, this variant has been classified as Pathogenic.

Myriad Genetics, Inc.
Classification: Pathogenic for Joubert syndrome and related disorders. Last evaluated: 2024-07-30. Review status: criteria provided, single submitter. Criteria: Myriad Autosomal Dominant, Autosomal Recessive and X-Linked Classification Criteria (2023). Collection method: clinical testing. Allele origin: unknown.
Comment: NM_001080522.2(CC2D2A):c.3049C>T(Q1017*) is expected to be pathogenic in the context of CC2D2A-related disorders. This variant is predicted to lead to an abnormal or absent protein product due to the creation of a premature termination codon in CC2D2A, a gene where loss-of-function variants are known to be pathogenic. Please note: this variant was assessed in the context of healthy population screening.

Blueprint Genetics
Classification: Likely pathogenic for CC2D2A-related disorders. Last evaluated: 2021-01-27. Review status: criteria provided, single submitter. Criteria: ACMG Guidelines, 2015. Collection method: clinical testing. Allele origin: germline. Affected: yes. Observed: 2 variant alleles.

Literature cited by the submitters: PubMed 19777577 (cited by Labcorp Genetics (formerly Invitae), Labcorp).